The following is an entry in ClinVar:

ClinVar aggregate classification (germline): Likely pathogenic. Review status: criteria provided, multiple submitters, no conflicts (2 of 4 stars). 2 submissions from 2 submitters: Likely pathogenic (2). Last evaluated 2025-01-31.

Conditions:
Familial hypokalemia-hypomagnesemia (GTLMNS). Also called: HYPOMAGNESEMIA-HYPOKALEMIA, PRIMARY RENOTUBULAR, WITH HYPOCALCIURIA; POTASSIUM AND MAGNESIUM DEPLETION; gitelman syndrome. Identifiers: Orphanet 358, MedGen C0268450, MONDO:0009904, OMIM 263800.

Allele frequency attached by ClinVar (database versions not stated): gnomAD exomes below 0.00001; ExAC 0.00001.

Submissions (2):

Natera, Inc.
Classification: Likely pathogenic for Gitelman syndrome. Last evaluated: 2025-01-31. Review status: criteria provided, single submitter. Criteria: Natera Variant Classification Schema (03/2026). Collection method: clinical testing. Allele origin: germline.
Comment: The c.1121G>T variant in SLC12A3 is a missense variant predicted to cause substitution of glycine to valine at amino acid 374. This variant is rare in the general population with a frequency below the threshold expected for the associated phenotype(s). This variant has been observed in one or more individuals affected with the associated recessive disease, as either homozygous or compound heterozygous with a second variant (PMID: 31672324, 12112667). This variant has been identified in one or more affected individuals with a phenotype highly consistent with the associated gene (PMID: 31672324, 12112667). Computational prediction algorithms indicate this variant is likely to affect gene or protein function. Given the available evidence, this variant is classified as Likely Pathogenic.

Labcorp Genetics (formerly Invitae), Labcorp
Classification: Likely pathogenic. Last evaluated: 2022-12-10. Review status: criteria provided, single submitter. Criteria: Invitae Variant Classification Sherloc (09022015). Collection method: clinical testing. Allele origin: germline.
Comment: In summary, the currently available evidence indicates that the variant is pathogenic, but additional data are needed to prove that conclusively. Therefore, this variant has been classified as Likely Pathogenic. Advanced modeling of protein sequence and biophysical properties (such as structural, functional, and spatial information, amino acid conservation, physicochemical variation, residue mobility, and thermodynamic stability) performed at Invitae indicates that this missense variant is expected to disrupt SLC12A3 protein function. This sequence change replaces glycine, which is neutral and non-polar, with valine, which is neutral and non-polar, at codon 374 of the SLC12A3 protein (p.Gly374Val). This variant is present in population databases (rs773669504, gnomAD 0.0009%). This missense change has been observed in individuals with Gitelman syndrome (PMID: 12112667, 31672324).

Literature cited by the submitters: PubMed 31672324 (cited by Natera, Inc. and Labcorp Genetics (formerly Invitae), Labcorp); PubMed 12112667 (cited by Natera, Inc. and Labcorp Genetics (formerly Invitae), Labcorp).

NM_001126108.2(SLC12A3):c.1121G>T (p.Gly374Val)

Gene: SLC12A3 (solute carrier family 12 member 3; plus strand). Cytogenetic location: 16q13.
Variant type: single nucleotide variant.
Coding change: c.1121G>T on transcript NM_001126108.2 (MANE Select); coding-DNA position 1121, G replaced by T.
Protein change: p.Gly374Val; replaces glycine 374 with valine.
Molecular consequence: missense variant.
Genome position (GRCh38, 1-based): chr16:56,878,102, G>T. VCF-style: chr16-56878102-G-T. GRCh37 (hg19) VCF-style: chr16-56912014-G-T.
Other names: c.1121G>T, p.Gly374Val (NM_000339.3); c.1118G>T, p.Gly373Val (NM_001126107.2, NM_001410896.1); c.1121G>T (NM_000339.2); short protein forms G373V, G374V.
Identifiers: ClinVar variation 2137820 (VCV002137820.5), dbSNP rs773669504, ClinGen allele CA8069356.
Genomic context (GRCh38, chr16:56,878,102, plus strand): 5'-CCCTCCCTCCCTCCCTCTCTCCCTCCCTCCTTCAGGACCCTGCTATAGCCATCCCCAAGG[G>T]GACCCTCATGGCCATTTTCTGGACGACCATTTCCTACCTGGCCATCTCAGCCACCATTGG-3'
Protein context (NP_001119580.2, residues 364-384): LKDPAIAIPK[Gly374Val]TLMAIFWTTI